The following is an entry in ClinVar:

NM_000065.5(C6):c.1091A>G (p.His364Arg)

Gene: C6 (complement C6; minus strand). Cytogenetic location: 5p13.1.
Variant type: single nucleotide variant.
Coding change: c.1091A>G on transcript NM_000065.5 (MANE Select); coding-DNA position 1091, A replaced by G.
Protein change: p.His364Arg; replaces histidine 364 with arginine.
Molecular consequence: missense variant.
Genome position (GRCh38, 1-based): chr5:41,176,552, T>C on the plus strand (A>G on the coding strand, the complement: C6 is on the minus strand). VCF-style: chr5-41176552-T-C. GRCh37 (hg19) VCF-style: chr5-41176654-T-C.
Other names: c.1091A>G, p.His364Arg (NM_001115131.4); short protein forms H364R.
Identifiers: ClinVar variation 2045557 (VCV002045557.5), dbSNP rs201216131, ClinGen allele CA3252575.

ClinVar aggregate classification (germline): Uncertain significance. Review status: criteria provided, multiple submitters, no conflicts (2 of 4 stars). 2 submissions from 2 submitters: Uncertain significance (2). Last evaluated 2025-09-04.

Conditions:
Inborn genetic diseases. Identifiers: MedGen C0950123, MeSH D030342.

Allele frequency attached by ClinVar (database versions not stated): gnomAD exomes 0.00001; TOPMed 0.00003; 1000 Genomes Project 30x 0.00031; 1000 Genomes Project 0.00040; ExAC 0.00002; gnomAD 0.00007.
gnomAD v4.1: 18 of 1,613,892 alleles (0.0011%); highest among the groups gnomAD compares: Admixed American, 0.027%; no homozygotes.

Submissions (2):

Ambry Genetics
Classification: Uncertain significance for Inborn genetic diseases. Last evaluated: 2025-09-04. Review status: criteria provided, single submitter. Criteria: Ambry Variant Classification Scheme 2023. Collection method: clinical testing. Allele origin: germline.

Labcorp Genetics (formerly Invitae), Labcorp
Classification: Uncertain significance. Last evaluated: 2024-02-26. Review status: criteria provided, single submitter. Criteria: Invitae Variant Classification Sherloc (09022015). Collection method: clinical testing. Allele origin: germline.
Comment: This sequence change replaces histidine, which is basic and polar, with arginine, which is basic and polar, at codon 364 of the C6 protein (p.His364Arg). This variant is present in population databases (rs201216131, gnomAD 0.02%). This variant has not been reported in the literature in individuals affected with C6-related conditions. ClinVar contains an entry for this variant (Variation ID: 2045557). An algorithm developed to predict the effect of missense changes on protein structure and function (PolyPhen-2) suggests that this variant is likely to be disruptive. In summary, the available evidence is currently insufficient to determine the role of this variant in disease. Therefore, it has been classified as a Variant of Uncertain Significance.